The following is an entry in ClinVar:

ClinVar aggregate classification (germline): Benign/Likely benign. Review status: criteria provided, multiple submitters, no conflicts (2 of 4 stars). 4 submissions from 4 submitters: Benign (2); Likely benign (2). Last evaluated 2026-01-02.

Conditions:
Combined immunodeficiency due to STIM1 deficiency. Also called: STIM1 DEFICIENCY; IMMUNODEFICIENCY 10. Identifiers: Orphanet 169090, Orphanet 317430, MedGen C2748557, MONDO:0013008, OMIM 612783.
Myopathy with tubular aggregates (TAM). Also called: Tubular Aggregate Myopathy. Identifiers: Orphanet 2593, MedGen C0410207, MONDO:0008051.
Stormorken syndrome (STRMK). Also called: THROMBOCYTOPATHY, ASPLENIA, AND MIOSIS. Identifiers: Orphanet 3204, MedGen C1861451, MONDO:0008497, OMIM 185070.

Allele frequency attached by ClinVar (database versions not stated): gnomAD 0.00001 and 0.00019; TOPMed 0.00003; gnomAD exomes 0.00030 and 0.00062; ExAC 0.00066; 1000 Genomes Project 30x 0.00156; 1000 Genomes Project 0.00180.
gnomAD v4.1: 476 of 1,614,246 alleles (0.029%); highest among the groups gnomAD compares: South Asian, 0.49%; 7 homozygotes.

Submissions (4):

Labcorp Genetics (formerly Invitae), Labcorp
Classification: Benign for Myopathy with tubular aggregates; Combined immunodeficiency due to STIM1 deficiency; Stormorken syndrome. Last evaluated: 2026-01-02. Review status: criteria provided, single submitter. Criteria: Invitae Variant Classification Sherloc (09022015). Collection method: clinical testing. Allele origin: germline.

Mayo Clinic Laboratories, Mayo Clinic
Classification: Benign. Last evaluated: 2025-10-01. Review status: criteria provided, single submitter. Criteria: ACMG Guidelines, 2015. Collection method: clinical testing. Allele origin: germline. Observed: 1 variant allele.
Comment: BS1, BS2, BP4, BP7

Blueprint Genetics
Classification: Likely benign. Last evaluated: 2024-10-25. Review status: criteria provided, single submitter. Criteria: ACMG Guidelines, 2015. Collection method: clinical testing. Allele origin: germline.

CeGaT Center for Human Genetics Tuebingen
Classification: Likely benign. Last evaluated: 2023-04-01. Review status: criteria provided, single submitter. Criteria: CeGaT Center For Human Genetics Tuebingen Variant Classification Criteria Version 2. Collection method: clinical testing. Allele origin: germline. Affected: yes. Observed: 2 variant alleles.
Comment: STIM1: BP4, BS2

NM_001382567.1(STIM1):c.1305C>T (p.Ile435=)

Gene: STIM1 (stromal interaction molecule 1; plus strand). Cytogenetic location: 11p15.4.
Variant type: single nucleotide variant.
Coding change: c.1305C>T on transcript NM_001382567.1 (MANE Select); coding-DNA position 1305, C replaced by T.
Protein change: p.Ile435=; no amino-acid change (isoleucine 435 retained).
Molecular consequence: synonymous variant. On other transcripts: non-coding transcript variant (2).
Genome position (GRCh38, 1-based): chr11:4,083,329, C>T. VCF-style: chr11-4083329-C-T. GRCh37 (hg19) VCF-style: chr11-4104559-C-T.
Other names: p.Ile435=; c.1305C>T, p.Ile435= (NM_001277961.3, NM_001277962.2, NM_003156.4); c.1083C>T, p.Ile361= (NM_001382566.1, NM_001382573.1, NM_001382575.1 and 4 more transcripts); c.1326C>T, p.Ile442= (NM_001382568.1); c.1170C>T, p.Ile390= (NM_001382569.1); c.1077C>T, p.Ile359= (NM_001382570.1); c.825C>T, p.Ile275= (NM_001382571.1); c.816C>T, p.Ile272= (NM_001382580.1, NM_001382581.1).
Identifiers: ClinVar variation 705175 (VCV000705175.39), dbSNP rs199801171, ClinGen allele CA5830448.